The following is an entry in ClinVar:

NM_016148.5(SHANK1):c.4914dup (p.Ser1639fs)

Gene: SHANK1 (SH3 and multiple ankyrin repeat domains 1; minus strand). Cytogenetic location: 19q13.33.
Variant type: Duplication.
Coding change: c.4914dup on transcript NM_016148.5 (MANE Select); coding-DNA position 4914, one base duplicated (C; older notation c.4914dupC).
Protein change: p.Ser1639fs; shifts the reading frame from serine 1639.
Molecular consequence: frameshift variant.
Genome position (GRCh38, 1-based): chr19:50,667,046, G duplicated on the plus strand (C on the coding strand, the reverse complement: SHANK1 is on the minus strand); the first of 2 consecutive G bases (chr19:50,667,046-50,667,047); duplicating either gives the same sequence. VCF-style (leftmost placement, unchanged base first): chr19-50667045-A-AG. GRCh37 (hg19) VCF-style: chr19-51170302-A-AG.
Other names: short protein forms S1639fs.
Identifiers: ClinVar variation 4854449 (VCV004854449.1).

ClinVar aggregate classification (germline): Likely pathogenic (1 of 4 stars; one submission).

Conditions:
SHANK1-related disorder. Also called: SHANK1-related condition.

Submission:

3billion
Classification: Likely pathogenic for SHANK1-related disorder. Last evaluated: 2026-01-23. Review status: criteria provided, single submitter. Criteria: ACMG Guidelines, 2015. Collection method: clinical testing. Allele origin: germline. Affected: yes.
Comment: The variant is not observed in the gnomAD v4.1.0 dataset. Predicted Consequence/Location: Frameshift: predicted to result in a loss or disruption of normal protein function through nonsense-mediated decay (NMD) or protein truncation. Multiple pathogenic variants are reported downstream of the variant. Therefore, this variant is classified as Likely pathogenic according to the recommendation of ACMG/AMP guideline.